The following is an entry in ClinVar:

NM_000789.4(ACE):c.2090C>A (p.Thr697Asn)

Gene: ACE (angiotensin I converting enzyme; plus strand). Cytogenetic location: 17q23.3.
Variant type: single nucleotide variant.
Coding change: c.2090C>A on transcript NM_000789.4 (MANE Select); coding-DNA position 2090, C replaced by A.
Protein change: p.Thr697Asn; replaces threonine 697 with asparagine.
Molecular consequence: missense variant. On other transcripts: non-coding transcript variant (1).
Genome position (GRCh38, 1-based): chr17:63,486,588, C>A. VCF-style: chr17-63486588-C-A. GRCh37 (hg19) VCF-style: chr17-61563949-C-A.
Other names: c.368C>A, p.Thr123Asn (NM_001178057.2, NM_152830.3); c.1523C>A, p.Thr508Asn (NM_001382700.1); c.1238C>A, p.Thr413Asn (NM_001382701.1); c.20C>A, p.Thr7Asn (NM_001382702.1); short protein forms T508N, T697N, T7N, T123N, T413N.
Identifiers: ClinVar variation 1480013 (VCV001480013.9), dbSNP rs765315607, ClinGen allele CA8699936.
Genomic context (GRCh38, chr17:63,486,588, plus strand): 5'-CCTGTGACACCATCCCCCTGTGCCCTCAGCTGCAGAAGAACATGCAAATAGCCAACCACA[C>A]CCTGAAGTACGGCACCCAGGCCAGGAAGTTTGATGTGAACCAGTTGCAGAACACCACTAT-3'
Protein context (NP_000780.1, residues 687-707): LQKNMQIANH[Thr697Asn]LKYGTQARKF

ClinVar aggregate classification (germline): Uncertain significance. Review status: criteria provided, multiple submitters, no conflicts (2 of 4 stars). 3 submissions from 3 submitters: Uncertain significance (3). Last evaluated 2024-06-12.

Conditions:
Renal tubular dysgenesis of genetic origin. Also called: PRIMITIVE RENAL TUBULE SYNDROME. Identifiers: Orphanet 97369, MedGen C5681536, MONDO:0009970, OMIM 267430.
Microvascular complications of diabetes, susceptibility to, 3. Identifiers: MedGen C2675470, MONDO:0012963, OMIM 612624.
Hemorrhage, intracerebral, susceptibility to (ICH). Also called: Stroke, hemorrhagic, susceptibility to. Identifiers: MedGen C3281105, MONDO:0100533, OMIM 614519.

Allele frequency attached by ClinVar (database versions not stated): gnomAD 0.00001; TOPMed 0.00001.
gnomAD v4.1: 34 of 1,614,124 alleles (0.0021%); highest among the groups gnomAD compares: Middle Eastern, 0.082%; no homozygotes.

Submissions (3):

Fulgent Genetics
Classification: Uncertain significance for Renal tubular dysgenesis of genetic origin; Microvascular complications of diabetes, susceptibility to, 3; Hemorrhage, intracerebral, susceptibility to. Last evaluated: 2024-06-12. Review status: criteria provided, single submitter. Criteria: ACMG Guidelines, 2015. Collection method: clinical testing. Allele origin: germline.

Labcorp Genetics (formerly Invitae), Labcorp
Classification: Uncertain significance. Last evaluated: 2023-07-10. Review status: criteria provided, single submitter. Criteria: Invitae Variant Classification Sherloc (09022015). Collection method: clinical testing. Allele origin: germline.
Comment: This sequence change replaces threonine, which is neutral and polar, with asparagine, which is neutral and polar, at codon 697 of the ACE protein (p.Thr697Asn). This variant is present in population databases (rs765315607, gnomAD 0.008%). This variant has not been reported in the literature in individuals affected with ACE-related conditions. ClinVar contains an entry for this variant (Variation ID: 1480013). Advanced modeling of protein sequence and biophysical properties (such as structural, functional, and spatial information, amino acid conservation, physicochemical variation, residue mobility, and thermodynamic stability) performed at Invitae indicates that this missense variant is not expected to disrupt ACE protein function. In summary, the available evidence is currently insufficient to determine the role of this variant in disease. Therefore, it has been classified as a Variant of Uncertain Significance.

Breakthrough Genomics
Classification: Uncertain significance. Review status: criteria provided, single submitter. Criteria: ACMG Guidelines, 2015. Collection method: not provided. Allele origin: germline. Inheritance: Autosomal recessive inheritance. Affected: yes.